The following is an entry in ClinVar:

NM_015087.5(SPART):c.1816A>G (p.Asn606Asp)

Gene: SPART (spartin; minus strand). Cytogenetic location: 13q13.3.
Variant type: single nucleotide variant.
Coding change: c.1816A>G on transcript NM_015087.5 (MANE Select); coding-DNA position 1816, A replaced by G.
Protein change: p.Asn606Asp; replaces asparagine 606 with aspartic acid.
Molecular consequence: missense variant.
Genome position (GRCh38, 1-based): chr13:36,304,550, T>C on the plus strand (A>G on the coding strand, the complement: SPART is on the minus strand). VCF-style: chr13-36304550-T-C. GRCh37 (hg19) VCF-style: chr13-36878687-T-C.
Other names: c.1816A>G, p.Asn606Asp (NM_001142294.2, NM_001142295.2, NM_001142296.2); short protein forms N606D.
Identifiers: ClinVar variation 1439505 (VCV001439505.8), dbSNP rs767789692, ClinGen allele CA6949272.
Genomic context (GRCh38, chr13:36,304,550, plus strand): 5'-CAAGGAGAGTGTGTCCTGTTTGTGTTGCAGTTTTCTTCACCATTGCTTTGATACCAATGT[T>C]GTTAATATTGTAGGCAGTTACGCCAACATTGACCGCAGAATCCACCGCATGGTGGGTAGC-3'
Protein context (NP_055902.1, residues 596-616): NVGVTAYNIN[Asn606Asp]IGIKAMVKKT

ClinVar aggregate classification (germline): Uncertain significance (1 of 4 stars; one submission).

Allele frequency attached by ClinVar (database versions not stated): gnomAD exomes below 0.00001; ExAC 0.00001.
gnomAD v4.1: 3 of 1,614,172 alleles (0.00019%); highest among the groups gnomAD compares: South Asian, 0.0022%; no homozygotes.

Submission:

Labcorp Genetics (formerly Invitae), Labcorp
Classification: Uncertain significance. Last evaluated: 2022-11-01. Review status: criteria provided, single submitter. Criteria: Invitae Variant Classification Sherloc (09022015). Collection method: clinical testing. Allele origin: germline.
Comment: This sequence change replaces asparagine, which is neutral and polar, with aspartic acid, which is acidic and polar, at codon 606 of the SPART protein (p.Asn606Asp). This variant is present in population databases (rs767789692, gnomAD 0.003%). This variant has not been reported in the literature in individuals affected with SPART-related conditions. ClinVar contains an entry for this variant (Variation ID: 1439505). Algorithms developed to predict the effect of missense changes on protein structure and function (SIFT, PolyPhen-2, Align-GVGD) all suggest that this variant is likely to be tolerated. In summary, the available evidence is currently insufficient to determine the role of this variant in disease. Therefore, it has been classified as a Variant of Uncertain Significance.